The following is an entry in ClinVar:

NM_198999.3(SLC26A5):c.1653G>T (p.Leu551Phe)

Gene: SLC26A5 (solute carrier family 26 member 5; minus strand). Cytogenetic location: 7q22.1.
Variant type: single nucleotide variant.
Coding change: c.1653G>T on transcript NM_198999.3 (MANE Select); coding-DNA position 1653, G replaced by T.
Protein change: p.Leu551Phe; replaces leucine 551 with phenylalanine.
Molecular consequence: missense variant. On other transcripts: non-coding transcript variant (5), intron variant (2).
Genome position (GRCh38, 1-based): chr7:103,379,267, C>A on the plus strand (G>T on the coding strand, the complement: SLC26A5 is on the minus strand). VCF-style: chr7-103379267-C-A. GRCh37 (hg19) VCF-style: chr7-103019714-C-A.
Other names: c.1557G>T, p.Leu519Phe (NM_001167962.2, NM_001321787.2); c.1653G>T, p.Leu551Phe (NM_206883.3); c.971+18665G>T (NM_206885.3); c.1514+9741G>T (NM_206884.3); short protein forms L551F, L519F.
Identifiers: ClinVar variation 2234900 (VCV002234900.4), dbSNP rs747533690, ClinGen allele CA4419442.
Genomic context (GRCh38, chr7:103,379,267, plus strand): 5'-CCCATCCTCAGAAATAATCAATTTCTCATGACTCACCTTTCGTTTTAATGCATTGCTATA[C>A]AAGTCGCTATTTGCATAGTAAATTGGTGCATTTATTTGAAATATTTTTATTCCAGGAATT-3'
Protein context (NP_945350.1, residues 541-561): NAPIYYANSD[Leu551Phe]YSNALKRKTG

ClinVar aggregate classification (germline): Uncertain significance. Review status: criteria provided, multiple submitters, no conflicts (2 of 4 stars). 3 submissions from 3 submitters: Uncertain significance (3). Last evaluated 2026-08-06.

Conditions:
Inborn genetic diseases. Identifiers: MedGen C0950123, MeSH D030342.
SLC26A5-related disorder. Also called: SLC26A5-related condition.

Allele frequency attached by ClinVar (database versions not stated): gnomAD exomes 0.00002 and 0.00004; gnomAD 0.00003; ExAC 0.00004; TOPMed 0.00005 and 0.00006.
gnomAD v4.1: 34 of 1,611,178 alleles (0.0021%); highest among the groups gnomAD compares: Non-Finnish European, 0.000085%; no homozygotes.

Submissions (3):

PreventionGenetics, part of Exact Sciences
Classification: Uncertain significance for SLC26A5-related condition. Last evaluated: 2026-08-06. Review status: criteria provided, single submitter. Criteria: ACMG Guidelines, 2015. Collection method: clinical testing. Allele origin: germline.
Comment: The SLC26A5 c.1653G>T variant is predicted to result in the amino acid substitution p.Leu551Phe. To our knowledge, this variant has not been reported in the literature. This variant is reported in 0.087% of alleles in individuals of Ashkenazi Jewish descent in gnomAD. Although we suspect that this variant may be benign, at this time, the clinical significance of this variant is uncertain due to the absence of conclusive functional and genetic evidence.

Blueprint Genetics
Classification: Uncertain significance. Last evaluated: 2024-10-11. Review status: criteria provided, single submitter. Criteria: ACMG Guidelines, 2015. Collection method: clinical testing. Allele origin: germline.

Ambry Genetics
Classification: Uncertain significance for Inborn genetic diseases. Last evaluated: 2021-07-06. Review status: criteria provided, single submitter. Criteria: Ambry Variant Classification Scheme 2023. Collection method: clinical testing. Allele origin: germline.